The following is an entry in ClinVar:

ClinVar aggregate classification (germline): Uncertain significance. Review status: criteria provided, multiple submitters, no conflicts (2 of 4 stars). 2 submissions from 2 submitters: Uncertain significance (2). Last evaluated 2025-10-07.

Conditions:
Inborn genetic diseases. Identifiers: MedGen C0950123, MeSH D030342.

Allele frequency attached by ClinVar (database versions not stated): gnomAD exomes below 0.00001; TOPMed below 0.00001.
gnomAD v4.1: 2 of 1,613,598 alleles (0.00012%); highest among the groups gnomAD compares: Admixed American, 0.0033%; no homozygotes.

Submissions (2):

Ambry Genetics
Classification: Uncertain significance for Inborn genetic diseases. Last evaluated: 2025-10-07. Review status: criteria provided, single submitter. Criteria: Ambry Variant Classification Scheme 2023. Collection method: clinical testing. Allele origin: germline.
Comment: The c.4727A>G (p.K1576R) alteration is located in exon 35 (coding exon 34) of the MYO7A gene. This alteration results from a A to G substitution at nucleotide position 4727, causing the lysine (K) at amino acid position 1576 to be replaced by an arginine (R). Based on data from gnomAD, the G allele has an overall frequency of <0.001% (1/248168) total alleles studied. The highest observed frequency was 0.003% (1/34450) of Latino alleles. Based on insufficient or conflicting evidence, the clinical significance of this alteration remains unclear.

Labcorp Genetics (formerly Invitae), Labcorp
Classification: Uncertain significance. Last evaluated: 2025-10-01. Review status: criteria provided, single submitter. Criteria: Invitae Variant Classification Sherloc (09022015). Collection method: clinical testing. Allele origin: germline.
Comment: This sequence change replaces lysine, which is basic and polar, with arginine, which is basic and polar, at codon 1576 of the MYO7A protein (p.Lys1576Arg). This variant is present in population databases (no rsID available, gnomAD 0.003%). This variant has not been reported in the literature in individuals affected with MYO7A-related conditions. ClinVar contains an entry for this variant (Variation ID: 933867). Invitae Evidence Modeling of protein sequence and biophysical properties (such as structural, functional, and spatial information, amino acid conservation, physicochemical variation, residue mobility, and thermodynamic stability) indicates that this missense variant is not expected to disrupt MYO7A protein function with a negative predictive value of 95%. In summary, the available evidence is currently insufficient to determine the role of this variant in disease. Therefore, it has been classified as a Variant of Uncertain Significance.

NM_000260.4(MYO7A):c.4727A>G (p.Lys1576Arg)

Gene: MYO7A (myosin VIIA; plus strand). Cytogenetic location: 11q13.5.
Variant type: single nucleotide variant.
Coding change: c.4727A>G on transcript NM_000260.4 (MANE Select); coding-DNA position 4727, A replaced by G.
Protein change: p.Lys1576Arg; replaces lysine 1576 with arginine.
Molecular consequence: missense variant.
Genome position (GRCh38, 1-based): chr11:77,199,693, A>G. VCF-style: chr11-77199693-A-G. GRCh37 (hg19) VCF-style: chr11-76910738-A-G.
Other names: c.4613A>G, p.Lys1538Arg (NM_001127180.2); c.4580A>G, p.Lys1527Arg (NM_001369365.1); short protein forms K1538R, K1527R, K1576R.
Identifiers: ClinVar variation 933867 (VCV000933867.8), dbSNP rs1405574025, ClinGen allele CA381950804.